The following is an entry in ClinVar:

NM_001277115.2(DNAH11):c.6067A>G (p.Ile2023Val)

Gene: DNAH11 (dynein axonemal heavy chain 11; plus strand). Cytogenetic location: 7p15.3.
Variant type: single nucleotide variant.
Coding change: c.6067A>G on transcript NM_001277115.2 (MANE Select); coding-DNA position 6067, A replaced by G.
Protein change: p.Ile2023Val; replaces isoleucine 2023 with valine.
Molecular consequence: missense variant.
Genome position (GRCh38, 1-based): chr7:21,698,100, A>G. VCF-style: chr7-21698100-A-G. GRCh37 (hg19) VCF-style: chr7-21737718-A-G.
Other names: p.Ile2023Val; short protein forms I2023V.
Identifiers: ClinVar variation 416437 (VCV000416437.14), dbSNP rs72657339, ClinGen allele CA4180679.

ClinVar aggregate classification (germline): Benign/Likely benign. Review status: criteria provided, multiple submitters, no conflicts (2 of 4 stars). 4 submissions from 4 submitters: Benign (3); Likely benign (1). Last evaluated 2026-01-24.

Conditions:
Primary ciliary dyskinesia. Also called: Ciliary dyskinesia. Identifiers: Orphanet 244, MedGen C0008780, MONDO:0016575, HP:0012265.
Primary ciliary dyskinesia 7. Also called: CILIARY DYSKINESIA, PRIMARY, 7, WITH OR WITHOUT SITUS INVERSUS. Identifiers: Orphanet 244, MedGen C2678473, MONDO:0012748, OMIM 611884.

Allele frequency attached by ClinVar (database versions not stated): ESP Exome Variant Server 0.00033; gnomAD exomes 0.00094 and 0.00352; gnomAD 0.00140 and 0.00190; TOPMed 0.00168; ExAC 0.00372; 1000 Genomes Project 30x 0.01046; 1000 Genomes Project 0.01058.
gnomAD v4.1: 1,826 of 1,613,084 alleles (0.11%); highest among the groups gnomAD compares: East Asian, 3.2%; 36 homozygotes.

Submissions (4):

Labcorp Genetics (formerly Invitae), Labcorp
Classification: Benign for Primary ciliary dyskinesia. Last evaluated: 2026-01-24. Review status: criteria provided, single submitter. Criteria: Invitae Variant Classification Sherloc (09022015). Collection method: clinical testing. Allele origin: germline.

Mayo Clinic Laboratories, Mayo Clinic
Classification: Benign. Last evaluated: 2024-02-29. Review status: criteria provided, single submitter. Criteria: ACMG Guidelines, 2015. Collection method: clinical testing. Allele origin: germline. Observed: 2 variant alleles.
Comment: BS1, BS2, BP4

Fulgent Genetics
Classification: Likely benign for Primary ciliary dyskinesia 7. Last evaluated: 2021-08-11. Review status: criteria provided, single submitter. Criteria: ACMG Guidelines, 2015. Collection method: clinical testing. Allele origin: unknown.

Ambry Genetics
Classification: Benign for Primary ciliary dyskinesia. Last evaluated: 2015-08-11. Review status: criteria provided, single submitter. Criteria: Ambry Variant Classification Scheme 2023. Collection method: clinical testing. Allele origin: germline.